The following is an entry in ClinVar:

ClinVar aggregate classification (germline): Likely benign. Review status: criteria provided, single submitter (1 of 4 stars). 2 submissions from 2 submitters: Likely benign (1). 1 of the submissions does not count toward it. Last evaluated 2024-12-18.

Conditions:
PCNT-related disorder. Also called: PCNT-related condition.

Allele frequency attached by ClinVar (database versions not stated): ExAC 0.00003; gnomAD 0.00005; 1000 Genomes Project 30x 0.00016; 1000 Genomes Project 0.00020.
gnomAD v4.1: 52 of 1,613,902 alleles (0.0032%); highest among the groups gnomAD compares: African/African-American, 0.0053%; no homozygotes.

Submissions (2):

Labcorp Genetics (formerly Invitae), Labcorp
Classification: Likely benign. Last evaluated: 2024-12-18. Review status: criteria provided, single submitter. Criteria: Invitae Variant Classification Sherloc (09022015). Collection method: clinical testing. Allele origin: germline.

PreventionGenetics, part of Exact Sciences
Classification: Likely benign for PCNT-related condition. Last evaluated: 2021-05-19. Review status: no assertion criteria provided. Collection method: clinical testing. Allele origin: germline. Not counted in ClinVar's aggregate classification.
Comment: This variant is classified as likely benign based on ACMG/AMP sequence variant interpretation guidelines (Richards et al. 2015 PMID: 25741868, with internal and published modifications).

NM_006031.6(PCNT):c.1017C>T (p.Asn339=)

Gene: PCNT (pericentrin; plus strand). Cytogenetic location: 21q22.3.
Variant type: single nucleotide variant.
Coding change: c.1017C>T on transcript NM_006031.6 (MANE Select); coding-DNA position 1017, C replaced by T.
Protein change: p.Asn339=; no amino-acid change (asparagine 339 retained).
Molecular consequence: synonymous variant.
Genome position (GRCh38, 1-based): chr21:46,347,497, C>T. VCF-style: chr21-46347497-C-T. GRCh37 (hg19) VCF-style: chr21-47767411-C-T.
Other names: c.1017C>T (NM_006031.5); c.663C>T, p.Asn221= (NM_001315529.2).
Identifiers: ClinVar variation 2901596 (VCV002901596.5), dbSNP rs200472502, ClinGen allele CA10078476.